The following is an entry in ClinVar:

ClinVar aggregate classification (germline): Uncertain significance (1 of 4 stars; one submission).

Conditions:
Hereditary cancer-predisposing syndrome. Also called: Neoplastic Syndromes, Hereditary; Tumor predisposition; Hereditary Cancer Syndrome; Hereditary neoplastic syndrome. Identifiers: Orphanet 140162, MedGen C0027672, MeSH D009386, MONDO:0015356.

Allele frequency attached by ClinVar (database versions not stated): gnomAD exomes below 0.00001.
gnomAD v4.1: 1 of 1,614,102 alleles (0.000062%); highest among the groups gnomAD compares: Admixed American, 0.0017%; no homozygotes.

Submission:

Ambry Genetics
Classification: Uncertain significance for Hereditary cancer-predisposing syndrome. Last evaluated: 2023-12-26. Review status: criteria provided, single submitter. Criteria: Ambry Variant Classification Scheme 2023. Collection method: clinical testing. Allele origin: germline.
Comment: The p.V240A variant (also known as c.719T>C), located in coding exon 7 of the FANCC gene, results from a T to C substitution at nucleotide position 719. The valine at codon 240 is replaced by alanine, an amino acid with similar properties. This amino acid position is conserved. In addition, this alteration is predicted to be tolerated by in silico analysis. Since supporting evidence is limited at this time, the clinical significance of this alteration remains unclear.

NM_000136.3(FANCC):c.719T>C (p.Val240Ala)

Genes: AOPEP (aminopeptidase O (putative); plus strand), FANCC (FA complementation group C; minus strand). Cytogenetic location: 9q22.32.
Variant type: single nucleotide variant.
Coding change: c.719T>C on transcript NM_000136.3 (MANE Select); coding-DNA position 719, T replaced by C.
Protein change: p.Val240Ala; replaces valine 240 with alanine.
Molecular consequence: missense variant.
Genome position (GRCh38, 1-based): chr9:95,135,470, A>G on the plus strand (T>C on the coding strand, the complement: FANCC is on the minus strand). VCF-style: chr9-95135470-A-G. GRCh37 (hg19) VCF-style: chr9-97897752-A-G.
Other names: c.719T>C, p.Val240Ala (NM_001243743.2, NM_001243744.2); short protein forms V240A.
Identifiers: ClinVar variation 1757631 (VCV001757631.2), dbSNP rs1278016347, ClinGen allele CA374109432.